The following is an entry in ClinVar:

NM_001701.4(BAAT):c.759C>A (p.Ala253=)

Gene: BAAT (bile acid-CoA:amino acid N-acyltransferase; minus strand). Cytogenetic location: 9q31.1.
Variant type: single nucleotide variant.
Coding change: c.759C>A on transcript NM_001701.4 (MANE Select); coding-DNA position 759, C replaced by A.
Protein change: p.Ala253=; no amino-acid change (alanine 253 retained).
Molecular consequence: synonymous variant.
Genome position (GRCh38, 1-based): chr9:101,362,926, G>T on the plus strand (C>A on the coding strand, the complement: BAAT is on the minus strand). VCF-style: chr9-101362926-G-T. GRCh37 (hg19) VCF-style: chr9-104125208-G-T.
Other names: c.759C>A, p.Ala253= (NM_001127610.2, NM_001374715.1).
Identifiers: ClinVar variation 3030156 (VCV003030156.2), dbSNP rs144858457, ClinGen allele CA5160638.
Genomic context (GRCh38, chr9:101,362,926, plus strand): 5'-CTGACCATGATATACCTGTGGAATGCCAAAAGGAAAGTTGGTCCCATTAATAAGTACCGT[G>T]GCTGTGACTTGCTTTAGGTAAATAGCCATAGATAGTCCAATCTGTACTCCTTGACATACA-3'
Protein context (NP_001692.1, residues 243-263): SMAIYLKQVT[Ala253=]TVLINGTNFP

ClinVar aggregate classification (germline): Likely benign (0 of 4 stars; one submission).

Conditions:
BAAT-related disorder. Also called: BAAT-related condition.

Allele frequency attached by ClinVar (database versions not stated): gnomAD exomes 0.00001; ExAC 0.00007; gnomAD 0.00015; TOPMed 0.00025; ESP Exome Variant Server 0.00031.
gnomAD v4.1: 44 of 1,613,882 alleles (0.0027%); highest among the groups gnomAD compares: African/African-American, 0.053%; no homozygotes.

Submission:

PreventionGenetics, part of Exact Sciences
Classification: Likely benign for BAAT-related condition. Last evaluated: 2023-06-19. Review status: no assertion criteria provided. Collection method: clinical testing. Allele origin: germline.
Comment: This variant is classified as likely benign based on ACMG/AMP sequence variant interpretation guidelines (Richards et al. 2015 PMID: 25741868, with internal and published modifications).